The following is an entry in ClinVar:

NM_006312.6(NCOR2):c.6699C>T (p.His2233=)

Gene: NCOR2 (nuclear receptor corepressor 2; minus strand). Cytogenetic location: 12q24.31.
Variant type: single nucleotide variant.
Coding change: c.6699C>T on transcript NM_006312.6 (MANE Select); coding-DNA position 6699, C replaced by T.
Protein change: p.His2233=; no amino-acid change (histidine 2233 retained).
Molecular consequence: synonymous variant.
Genome position (GRCh38, 1-based): chr12:124,333,186, G>A on the plus strand (C>T on the coding strand, the complement: NCOR2 is on the minus strand). VCF-style: chr12-124333186-G-A. GRCh37 (hg19) VCF-style: chr12-124817732-G-A.
Other names: c.6669C>T, p.His2223= (NM_001077261.4, NM_001206654.2).
Identifiers: ClinVar variation 3039576 (VCV003039576.2), dbSNP rs199593681, ClinGen allele CA6867395.

ClinVar aggregate classification (germline): Likely benign (0 of 4 stars; one submission).

Conditions:
NCOR2-related disorder. Also called: NCOR2-related condition.

Allele frequency attached by ClinVar (database versions not stated): gnomAD exomes 0.00001; ExAC 0.00003; TOPMed 0.00008; gnomAD 0.00011; 1000 Genomes Project 30x 0.00047; 1000 Genomes Project 0.00060.
gnomAD v4.1: 31 of 1,613,116 alleles (0.0019%); highest among the groups gnomAD compares: African/African-American, 0.033%; no homozygotes.

Submission:

PreventionGenetics, part of Exact Sciences
Classification: Likely benign for NCOR2-related condition. Last evaluated: 2019-05-23. Review status: no assertion criteria provided. Collection method: clinical testing. Allele origin: germline.
Comment: This variant is classified as likely benign based on ACMG/AMP sequence variant interpretation guidelines (Richards et al. 2015 PMID: 25741868, with internal and published modifications).